The following is an entry in ClinVar:

ClinVar aggregate classification (germline): Benign. Review status: criteria provided, multiple submitters, no conflicts (2 of 4 stars). 5 submissions from 5 submitters: Benign (5). Last evaluated 2026-02-01.

Conditions:
Ulnar-mammary syndrome (UMS). Also called: PALLISTER ULNAR-MAMMARY SYNDROME; Ulnar-mammary syndrome of Pallister; SCHINZEL SYNDROME. Identifiers: Orphanet 3138, MedGen C1866994, MONDO:0008411, OMIM 181450.

Allele frequency attached by ClinVar (database versions not stated): 1000 Genomes Project 0.00799; 1000 Genomes Project 30x 0.00828; gnomAD 0.01646 and 0.01711; ESP Exome Variant Server 0.01666; TOPMed 0.01716; gnomAD exomes 0.01728 and 0.02326; ExAC 0.02419.

Submissions (5):

Labcorp Genetics (formerly Invitae), Labcorp
Classification: Benign for Ulnar-mammary syndrome. Last evaluated: 2026-02-01. Review status: criteria provided, single submitter. Criteria: Invitae Variant Classification Sherloc (09022015). Collection method: clinical testing. Allele origin: germline.

GeneDx
Classification: Benign. Last evaluated: 2019-07-30. Review status: criteria provided, single submitter. Criteria: GeneDx Variant Classification Process June 2021. Collection method: clinical testing. Allele origin: germline. Affected: yes.

Illumina Laboratory Services, Illumina
Classification: Benign for Ulnar-mammary syndrome. Last evaluated: 2018-01-12. Review status: criteria provided, single submitter. Criteria: ICSL Variant Classification Criteria 13 December 2019. Collection method: clinical testing. Allele origin: germline.
Comment: This variant was observed in the ICSL laboratory as part of a predisposition screen in an ostensibly healthy population. It had not been previously curated by ICSL or reported in the Human Gene Mutation Database (HGMD: prior to June 1st, 2018), and was therefore a candidate for classification through an automated scoring system. Utilizing variant allele frequency, disease prevalence and penetrance estimates, and inheritance mode, an automated score was calculated to assess if this variant is too frequent to cause the disease. Based on the score and internal cut-off values, a variant classified as benign is not then subjected to further curation. The score for this variant resulted in a classification of benign for this disease.

Eurofins Ntd Llc (ga)
Classification: Benign. Last evaluated: 2014-09-25. Review status: criteria provided, single submitter. Criteria: EGL Classification Definitions 2015. Collection method: clinical testing. Allele origin: germline. Observed: 2 variant alleles, 2 heterozygotes.

Breakthrough Genomics
Classification: Benign. Review status: criteria provided, single submitter. Criteria: ACMG Guidelines, 2015. Collection method: not provided. Allele origin: germline. Inheritance: Autosomal dominant inheritance. Affected: yes.

NM_005996.4(TBX3):c.1173G>C (p.Ala391=)

Gene: TBX3 (T-box transcription factor 3; minus strand). Cytogenetic location: 12q24.21.
Variant type: single nucleotide variant.
Coding change: c.1173G>C on transcript NM_005996.4 (MANE Select); coding-DNA position 1173, G replaced by C.
Protein change: p.Ala391=; no amino-acid change (alanine 391 retained).
Molecular consequence: synonymous variant.
Genome position (GRCh38, 1-based): chr12:114,674,702, C>G on the plus strand (G>C on the coding strand, the complement: TBX3 is on the minus strand). VCF-style: chr12-114674702-C-G. GRCh37 (hg19) VCF-style: chr12-115112507-C-G.
Other names: c.1233G>C, p.Ala411= (NM_016569.4).
Identifiers: ClinVar variation 198189 (VCV000198189.19), dbSNP rs146589414, ClinGen allele CA203301.